The following is an entry in ClinVar:

NM_005188.4(CBL):c.2417A>G (p.Asp806Gly)

Gene: CBL (Cbl proto-oncogene; plus strand). Cytogenetic location: 11q23.3.
Variant type: single nucleotide variant.
Coding change: c.2417A>G on transcript NM_005188.4 (MANE Select); coding-DNA position 2417, A replaced by G.
Protein change: p.Asp806Gly; replaces aspartic acid 806 with glycine.
Molecular consequence: missense variant.
Genome position (GRCh38, 1-based): chr11:119,298,523, A>G. VCF-style: chr11-119298523-A-G. GRCh37 (hg19) VCF-style: chr11-119169233-A-G.
Other names: short protein forms D806G.
Identifiers: ClinVar variation 4825176 (VCV004825176.1).

ClinVar aggregate classification (germline): Uncertain significance (1 of 4 stars; one submission).

Conditions:
Cardiovascular phenotype. Identifiers: MedGen CN230736.

gnomAD v4.1: 1 of 1,614,150 alleles (0.000062%); highest among the groups gnomAD compares: Non-Finnish European, 0.000085%; no homozygotes.

Submission:

Ambry Genetics
Classification: Uncertain significance for Cardiovascular phenotype. Last evaluated: 2026-02-16. Review status: criteria provided, single submitter. Criteria: Ambry Variant Classification Scheme 2023. Collection method: clinical testing. Allele origin: germline.
Comment: The p.D806G variant (also known as c.2417A>G), located in coding exon 15 of the CBL gene, results from an A to G substitution at nucleotide position 2417. The aspartic acid at codon 806 is replaced by glycine, an amino acid with similar properties. This amino acid position is conserved. In addition, the in silico prediction for this alteration is inconclusive. Based on the available evidence, the clinical significance of this variant remains unclear.